The following is an entry in ClinVar:

ClinVar aggregate classification (germline): Conflicting classifications of pathogenicity. Review status: criteria provided, conflicting classifications (1 of 4 stars). 3 submissions from 3 submitters: Uncertain significance (2); Likely benign (1). Last evaluated 2024-11-25.

Conditions:
Autosomal dominant polycystic kidney disease. Identifiers: Orphanet 730, MedGen C0085413, MONDO:0004691.

Submissions (3):

Blueprint Genetics
Classification: Likely benign. Last evaluated: 2024-11-25. Review status: criteria provided, single submitter. Criteria: ACMG Guidelines, 2015. Collection method: clinical testing. Allele origin: germline.

GeneDx
Classification: Uncertain significance. Last evaluated: 2024-07-19. Review status: criteria provided, single submitter. Criteria: GeneDx Variant Classification Process June 2021. Collection method: clinical testing. Allele origin: germline. Affected: yes.
Comment: In-frame insertion of three amino acids in a non-repeat region; Has not been previously published as pathogenic or benign to our knowledge

Department of Pathology and Laboratory Medicine, Sinai Health System
Classification: Uncertain significance for autosomal dominant polycystic kidney disease. Last evaluated: 2024-06-25. Review status: criteria provided, single submitter. Criteria: ACMG Guidelines, 2015. Collection method: clinical testing. Allele origin: germline.

NM_001009944.3(PKD1):c.8669_8670insTGCCAACTC (p.Ser2896_Val2897insAlaAsnSer)

Gene: PKD1 (polycystin 1, transient receptor potential channel interacting; minus strand). Cytogenetic location: 16p13.3.
Variant type: Insertion.
Coding change: c.8669_8670insTGCCAACTC on transcript NM_001009944.3 (MANE Select); coding-DNA positions 8669 to 8670, TGCCAACTC inserted.
Protein change: p.Ser2896_Val2897insAlaAsnSer.
Molecular consequence: inframe insertion. On other transcripts: inframe indel (1).
Genome position: GRCh38 VCF-style: chr16-2103387-G-GGAGTTGGCA. GRCh37 (hg19) VCF-style: chr16-2153388-G-GGAGTTGGCA.
Other names: c.8669_8670insTGCCAACTC, p.Ser2896_Val2897insAlaAsnSer (NM_000296.4); c.8669_8670insTGCCAACTC (NM_001009944.2).
Identifiers: ClinVar variation 3573502 (VCV003573502.3).